The following is an entry in ClinVar:

ClinVar aggregate classification (germline): Likely pathogenic (1 of 4 stars; one submission).

Conditions:
Fetal anomalies with a likely genetic cause.

gnomAD v4.1: 1 of 1,564,612 alleles (0.000064%); highest among the groups gnomAD compares: East Asian, 0.0024%; no homozygotes.

Submission:

Genetics Laboratory, Great Ormond Street Hospital NHS Foundation Trust, North Thames Genomic Laboratory Hub
Classification: Likely pathogenic for Fetal anomalies with a likely genetic cause. Last evaluated: 2026-09-25. Review status: criteria provided, single submitter. Criteria: ACGS Best Practice Guidelines for Variant Classification in Rare Disease 2024 v1.2. Collection method: clinical testing. Allele origin: germline. Affected: yes.
Comment: PM2_moderate, BP4_supporting

NM_001099409.3(EHBP1L1):c.992C>A (p.Pro331His)

Gene: EHBP1L1 (EH domain binding protein 1 like 1; plus strand). Cytogenetic location: 11q13.1.
Variant type: single nucleotide variant.
Coding change: c.992C>A on transcript NM_001099409.3 (MANE Select); coding-DNA position 992, C replaced by A.
Protein change: p.Pro331His; replaces proline 331 with histidine.
Molecular consequence: missense variant. On other transcripts: intron variant (1).
Genome position (GRCh38, 1-based): chr11:65,581,664, C>A. VCF-style: chr11-65581664-C-A. GRCh37 (hg19) VCF-style: chr11-65349135-C-A.
Other names: c.819+338C>A (NM_001351087.2); short protein forms P331H.
Identifiers: ClinVar variation 5043510 (VCV005043510.1).